The following is an entry in ClinVar:

NM_014049.5(ACAD9):c.959-6C>T

Gene: ACAD9 (acyl-CoA dehydrogenase family member 9; plus strand). Cytogenetic location: 3q21.3.
Variant type: single nucleotide variant.
Coding change: c.959-6C>T on transcript NM_014049.5 (MANE Select); 6 bases into the intron before coding-DNA position 959, C replaced by T.
Molecular consequence: intron variant.
Genome position (GRCh38, 1-based): chr3:128,904,056, C>T. VCF-style: chr3-128904056-C-T. GRCh37 (hg19) VCF-style: chr3-128622899-C-T.
Identifiers: ClinVar variation 737749 (VCV000737749.15), dbSNP rs368541873, ClinGen allele CA2601365.
Genomic context (GRCh38, chr3:128,904,056, plus strand): 5'-CATAGGAAATCATGTTTGAACCACAGAAATATTCCAGTTCATTCTAATAACTCTGCTCTT[C>T]CTCAGAAATGACTGCTGAGTACGCCTGCACAAGGAAACAGTTTAACAAGAGGCTCAGTGA-3'

ClinVar aggregate classification (germline): Likely benign. Review status: criteria provided, multiple submitters, no conflicts (2 of 4 stars). 4 submissions from 4 submitters: Likely benign (2). 2 of the submissions do not count toward it. Last evaluated 2026-01-13.

Conditions:
ACAD9-related disorder. Also called: ACAD9-related condition.
Acyl-CoA dehydrogenase 9 deficiency. Also called: Acyl-CoA dehydrogenase family, member 9, deficiency of; MITOCHONDRIAL COMPLEX I DEFICIENCY, NUCLEAR TYPE 20. Identifiers: Orphanet 99901, MedGen C4747517, MONDO:0012624, OMIM 611126.

Allele frequency attached by ClinVar (database versions not stated): gnomAD exomes 0.00001 and 0.00006; gnomAD 0.00004; TOPMed 0.00005; ExAC 0.00006.
gnomAD v4.1: 23 of 1,613,888 alleles (0.0014%); highest among the groups gnomAD compares: East Asian, 0.042%; no homozygotes.

Submissions (4):

Labcorp Genetics (formerly Invitae), Labcorp
Classification: Likely benign. Last evaluated: 2026-01-13. Review status: criteria provided, single submitter. Criteria: Invitae Variant Classification Sherloc (09022015). Collection method: clinical testing. Allele origin: germline.

Blueprint Genetics
Classification: Likely benign. Last evaluated: 2022-01-13. Review status: criteria provided, single submitter. Criteria: ACMG Guidelines, 2015. Collection method: clinical testing. Allele origin: germline.

Natera, Inc.
Classification: Likely benign for ACAD9 deficiency. Last evaluated: 2020-06-14. Review status: no assertion criteria provided. Collection method: clinical testing. Allele origin: germline. Not counted in ClinVar's aggregate classification.

PreventionGenetics, part of Exact Sciences
Classification: Likely benign for ACAD9-related condition. Last evaluated: 2019-11-25. Review status: no assertion criteria provided. Collection method: clinical testing. Allele origin: germline. Not counted in ClinVar's aggregate classification.
Comment: This variant is classified as likely benign based on ACMG/AMP sequence variant interpretation guidelines (Richards et al. 2015 PMID: 25741868, with internal and published modifications).